The following is an entry in ClinVar:

NC_000016.9:g.(?_15737238)_(15820211_?)del

Genes: MYH11 (myosin heavy chain 11; minus strand), NDE1 (nudE neurodevelopment protein 1; plus strand). Cytogenetic location: 16p13.11.
Variant type: Deletion.
Identifiers: ClinVar variation 4847042 (VCV004847042.1).

ClinVar aggregate classification (germline): Pathogenic (1 of 4 stars; one submission).

Conditions:
NDE1-related disorder. Also called: NDE1-related condition; NDE1-Related Disorders.

Submission:

Women's Health and Genetics/Laboratory Corporation of America, LabCorp
Classification: Pathogenic for NDE1-Related Disorders. Last evaluated: 2026-03-23. Review status: criteria provided, single submitter. Criteria: LabCorp Variant Classification Summary - May 2015. Collection method: clinical testing. Allele origin: germline.
Comment: Variant summary: The variant involves the deletion of exons 1-10 in the NDE1 gene. A presumed nomenclature of c.(?_-712)_(*2103_?)del has been designated for the purposes of this classification. This deletion includes the entire coding sequence of the gene. As the exact proximal and distal breakpoints are unknown, it may extend beyond the annotated region of the gene to include other flanking genes. Loss-of-function variants in this gene are known to be pathogenic. The deletion of the NDE1 gene in isolation was absent in in the gnomAD database (Structural Variants datasets). However, a large deletion variant (size: ~788 kb) which covers the NDE1 gene (together with several other flanking genes) was found at a frequency of 0.00021 in 122686 control chromosomes in the gnomAD database (Structural Variants v4.1 dataset). This recurrent copy number loss corresponds to the known chromosome 16p13.11 deletion that has been reported in the literature. To our knowledge, deletions confined to the NDE1 gene have not been reported in the literature. However, the 16p13.11 deletion (which includes the NDE1 gene) has been observed in compound heterozygous state in individuals affected with NDE1-Related Disorders, who carried a (likely) pathogenic variant in trans (e.g. Paciorkowski_2013, Tan_2017); of note, the 16p13.11 deletion was inherited from apparently unaffected (heterozygous) parents. To our knowledge, no experimental evidence demonstrating an impact on protein function has been reported. No submitters have cited clinical-significance assessments for this variant to ClinVar. Based on the evidence outlined above, the variant was classified as pathogenic.

Literature cited by the submitters: PubMed 23704059; PubMed 29191162.